The following is an entry in ClinVar:

NM_152383.5(DIS3L2):c.1601G>A (p.Gly534Glu)

Gene: DIS3L2 (DIS3 like 3'-5' exoribonuclease 2; plus strand). Cytogenetic location: 2q37.1.
Variant type: single nucleotide variant.
Coding change: c.1601G>A on transcript NM_152383.5 (MANE Select); coding-DNA position 1601, G replaced by A.
Protein change: p.Gly534Glu; replaces glycine 534 with glutamic acid.
Molecular consequence: missense variant. On other transcripts: non-coding transcript variant (2), intron variant (1).
Genome position (GRCh38, 1-based): chr2:232,263,382, G>A. VCF-style: chr2-232263382-G-A. GRCh37 (hg19) VCF-style: chr2-233128092-G-A.
Other names: c.1581+20G>A (NM_001257281.2); short protein forms G534E.
Identifiers: ClinVar variation 1062464 (VCV001062464.9), dbSNP rs188796348, ClinGen allele CA2164204.

ClinVar aggregate classification (germline): Uncertain significance (1 of 4 stars; one submission).

Conditions:
Perlman syndrome (PRLMNS). Identifiers: Orphanet 2849, MedGen C0796113, MONDO:0009965, OMIM 267000.

Allele frequency attached by ClinVar (database versions not stated): gnomAD exomes below 0.00001; ExAC 0.00001; gnomAD 0.00001; TOPMed 0.00001; 1000 Genomes Project 30x 0.00016; 1000 Genomes Project 0.00020.
gnomAD v4.1: 3 of 1,614,154 alleles (0.00019%); highest among the groups gnomAD compares: Admixed American, 0.0017%; no homozygotes.

Submission:

Labcorp Genetics (formerly Invitae), Labcorp
Classification: Uncertain significance for Perlman syndrome. Last evaluated: 2024-04-22. Review status: criteria provided, single submitter. Criteria: Invitae Variant Classification Sherloc (09022015). Collection method: clinical testing. Allele origin: germline.
Comment: This sequence change replaces glycine, which is neutral and non-polar, with glutamic acid, which is acidic and polar, at codon 534 of the DIS3L2 protein (p.Gly534Glu). This variant is not present in population databases (gnomAD no frequency). This variant has not been reported in the literature in individuals affected with DIS3L2-related conditions. ClinVar contains an entry for this variant (Variation ID: 1062464). Advanced modeling of protein sequence and biophysical properties (such as structural, functional, and spatial information, amino acid conservation, physicochemical variation, residue mobility, and thermodynamic stability) performed at Invitae indicates that this missense variant is not expected to disrupt DIS3L2 protein function with a negative predictive value of 80%. In summary, the available evidence is currently insufficient to determine the role of this variant in disease. Therefore, it has been classified as a Variant of Uncertain Significance.